The following is an entry in ClinVar:

ClinVar aggregate classification (germline): Pathogenic/Likely pathogenic. Review status: criteria provided, multiple submitters, no conflicts (2 of 4 stars). 2 submissions from 2 submitters: Pathogenic (1); Likely pathogenic (1). Last evaluated 2026-08-06.

Conditions:
Immunodeficiency, common variable, 7. Identifiers: Orphanet 1572, Orphanet 696894, MedGen C3542922, MONDO:0013862, OMIM 614699.
Systemic lupus erythematosus, susceptibility to, 9. Also called: Systemic lupus erythematosus 9. Identifiers: MedGen C1970455, MONDO:0012584, OMIM 610927.

Allele frequency attached by ClinVar (database versions not stated): gnomAD exomes below 0.00001; TOPMed 0.00001; gnomAD 0.00001.
gnomAD v4.1: 8 of 1,613,756 alleles (0.0005%); highest among the groups gnomAD compares: Admixed American, 0.0033%; no homozygotes.

Submissions (2):

OLLIN Analises Genomicas, OLLIN
Classification: Likely pathogenic for Systemic lupus erythematosus, susceptibility to, 9. Last evaluated: 2026-08-06. Review status: criteria provided, single submitter. Criteria: ACMG Guidelines 2015 PMID 25741868. Collection method: clinical testing. Allele origin: germline. Inheritance: Autosomal recessive inheritance.
Comment: This nonsense variant, located in exon 5 (of 20), has been reported in ClinVar (accession VCV000581865.6) and in gnomAD with an allele frequency of 0.0005%. However, to our knowledge, it has not been reported in the scientific literature. This variant introduces a premature stop codon, which is predicted to result in either a truncated protein or degradation of the mRNA via nonsense-mediated decay (NMD). According to the currently available evidence, this variant has been classified as likely pathogenic (PVS1, PM2_P).

Labcorp Genetics (formerly Invitae), Labcorp
Classification: Pathogenic for Immunodeficiency, common variable, 7. Last evaluated: 2025-10-14. Review status: criteria provided, single submitter. Criteria: Invitae Variant Classification Sherloc (09022015). Collection method: clinical testing. Allele origin: germline.
Comment: This sequence change creates a premature translational stop signal (p.Gly262*) in the CR2 gene. It is expected to result in an absent or disrupted protein product. Loss-of-function variants in CR2 are known to be pathogenic (PMID: 26325596, 28499783). This variant is present in population databases (no rsID available, gnomAD 0.003%). This variant has not been reported in the literature in individuals affected with CR2-related conditions. ClinVar contains an entry for this variant (Variation ID: 581865). For these reasons, this variant has been classified as Pathogenic.

Literature cited by the submitters: PubMed 26325596 (cited by Labcorp Genetics (formerly Invitae), Labcorp); PubMed 28499783 (cited by Labcorp Genetics (formerly Invitae), Labcorp).

NM_001006658.3(CR2):c.784G>T (p.Gly262Ter)

Gene: CR2 (complement C3d receptor 2; plus strand). Cytogenetic location: 1q32.2.
Variant type: single nucleotide variant.
Coding change: c.784G>T on transcript NM_001006658.3 (MANE Select); coding-DNA position 784, G replaced by T.
Protein change: p.Gly262Ter; replaces glycine 262 with a stop codon.
Molecular consequence: nonsense.
Genome position (GRCh38, 1-based): chr1:207,469,199, G>T. VCF-style: chr1-207469199-G-T. GRCh37 (hg19) VCF-style: chr1-207642544-G-T.
Other names: c.784G>T, p.Gly262Ter (NM_001877.5); short protein forms G262*.
Identifiers: ClinVar variation 581865 (VCV000581865.7), dbSNP rs1030733127, ClinGen allele CA36647522.